The following is an entry in ClinVar:

NM_000384.3(APOB):c.6707T>C (p.Ile2236Thr)

Gene: APOB (apolipoprotein B; minus strand). Cytogenetic location: 2p24.1.
Variant type: single nucleotide variant.
Coding change: c.6707T>C on transcript NM_000384.3 (MANE Select); coding-DNA position 6707, T replaced by C.
Protein change: p.Ile2236Thr; replaces isoleucine 2236 with threonine.
Molecular consequence: missense variant.
Genome position (GRCh38, 1-based): chr2:21,010,161, A>G on the plus strand (T>C on the coding strand, the complement: APOB is on the minus strand). VCF-style: chr2-21010161-A-G. GRCh37 (hg19) VCF-style: chr2-21233033-A-G.
Other names: short protein forms I2236T.
Identifiers: ClinVar variation 918977 (VCV000918977.13), dbSNP rs781584312, ClinGen allele CA063461.

ClinVar aggregate classification (germline): Uncertain significance. Review status: criteria provided, multiple submitters, no conflicts (2 of 4 stars). 4 submissions from 4 submitters: Uncertain significance (4). Last evaluated 2025-09-22.

Conditions:
Cardiovascular phenotype. Identifiers: MedGen CN230736.
Familial hypobetalipoproteinemia 1. Also called: Hypobetalipoproteinemia, normotriglyceridemic; Acanthocytosis with hypobetalipoproteinemia; APOB-Related Familial Hypobetalipoproteinemia. Identifiers: MedGen C4551990, MONDO:0014252, OMIM 615558.
Hypercholesterolemia, autosomal dominant, type B (FHCL2). Also called: Familial Hypercholesterolemia Type B; HYPERCHOLESTEROLEMIA, FAMILIAL, DUE TO LIGAND-DEFECTIVE APOLIPOPROTEIN B; Familial hypercholesterolemia 2; APOB-Related Familial Hypercholesterolemia, Autosomal Dominant; APOLIPOPROTEIN B-100, FAMILIAL DEFECTIVE; APOLIPOPROTEIN B-100, FAMILIAL LIGAND-DEFECTIVE. Identifiers: MedGen C1704417, MONDO:0007751, OMIM 144010.

Allele frequency attached by ClinVar (database versions not stated): ExAC 0.00001; gnomAD 0.00001; gnomAD exomes 0.00001 and 0.00002; TOPMed 0.00002.
gnomAD v4.1: 14 of 1,602,152 alleles (0.00087%); highest among the groups gnomAD compares: Middle Eastern, 0.017%; no homozygotes.

Submissions (4):

Ambry Genetics
Classification: Uncertain significance for Cardiovascular phenotype. Last evaluated: 2025-09-22. Review status: criteria provided, single submitter. Criteria: Ambry Variant Classification Scheme 2023. Collection method: clinical testing. Allele origin: germline.

GeneDx
Classification: Uncertain significance. Last evaluated: 2025-02-19. Review status: criteria provided, single submitter. Criteria: GeneDx Variant Classification Process June 2021. Collection method: clinical testing. Allele origin: germline. Affected: yes.
Comment: Not observed at significant frequency in large population cohorts (gnomAD); In silico analysis indicates that this missense variant does not alter protein structure/function; Has not been previously published as pathogenic or benign to our knowledge

Labcorp Genetics (formerly Invitae), Labcorp
Classification: Uncertain significance for Familial hypobetalipoproteinemia 1; Hypercholesterolemia, autosomal dominant, type B. Last evaluated: 2022-06-13. Review status: criteria provided, single submitter. Criteria: Invitae Variant Classification Sherloc (09022015). Collection method: clinical testing. Allele origin: germline.
Comment: This sequence change replaces isoleucine, which is neutral and non-polar, with threonine, which is neutral and polar, at codon 2236 of the APOB protein (p.Ile2236Thr). This variant is present in population databases (rs781584312, gnomAD 0.002%). This variant has not been reported in the literature in individuals affected with APOB-related conditions. ClinVar contains an entry for this variant (Variation ID: 918977). Algorithms developed to predict the effect of missense changes on protein structure and function output the following: SIFT: "Tolerated"; PolyPhen-2: "Benign"; Align-GVGD: "Class C0". The threonine amino acid residue is found in multiple mammalian species, which suggests that this missense change does not adversely affect protein function. In summary, the available evidence is currently insufficient to determine the role of this variant in disease. Therefore, it has been classified as a Variant of Uncertain Significance.

Centre for Mendelian Genomics, University Medical Centre Ljubljana
Classification: Uncertain significance for Familial hypobetalipoproteinemia 1. Last evaluated: 2019-03-20. Review status: criteria provided, single submitter. Criteria: ACMG Guidelines, 2015. Collection method: clinical testing. Allele origin: unknown. Affected: yes.
Comment: This variant was classified as: Uncertain significance. The available evidence on this variant's pathogenicity is insufficient or conflicting. The following ACMG criteria were applied in classifying this variant: BP4.